The following is an entry in ClinVar:

ClinVar aggregate classification (germline): Pathogenic/Likely pathogenic. Review status: criteria provided, multiple submitters, no conflicts (2 of 4 stars). 6 submissions from 6 submitters: Pathogenic (3); Likely pathogenic (3). Last evaluated 2025-12-22.

Conditions:
Rare genetic deafness. Identifiers: Orphanet 96210, MedGen C5680250.
Nonsyndromic genetic hearing loss. Also called: Non-syndromic genetic deafness; Nonsyndromic hearing loss and deafness; Nonsyndromic genetic deafness. Identifiers: Orphanet 87884, MedGen C5680182, MONDO:0019497.
Autosomal recessive nonsyndromic hearing loss 1A (DFNB1A). Also called: GJB6-Related DFNB 1 Nonsyndromic Hearing Loss and Deafness; Deafness, autosomal recessive 1A; Nonsyndromic Hearing Loss and Deafness, DFNB1; GJB2-Related Autosomal Recessive Nonsyndromic Hearing Loss; Connexin 26 deafness; Deafness nonsyndromic, Connexin 26 linked. Identifiers: Orphanet 90636, MedGen C2673759, MONDO:0009076, OMIM 220290.

Allele frequency attached by ClinVar (database versions not stated): gnomAD exomes below 0.00001; ExAC 0.00001; gnomAD 0.00002 and 0.00003; TOPMed 0.00002; ESP Exome Variant Server 0.00008.

Submissions (6):

Women's Health and Genetics/Laboratory Corporation of America, LabCorp
Classification: Pathogenic for Nonsyndromic genetic hearing loss. Last evaluated: 2025-12-22. Review status: criteria provided, single submitter. Criteria: LabCorp Variant Classification Summary - May 2015. Collection method: clinical testing. Allele origin: germline.
Comment: Variant summary: GJB2 c.119C>A (p.Ala40Glu) results in a non-conservative amino acid change in the encoded protein sequence. Algorithms developed to predict the effect of missense changes on protein structure and function all suggest that this variant is likely to be disruptive. The variant allele was found at a frequency of 4e-06 in 250872 control chromosomes (gnomAD). c.119C>A has been observed in individuals affected with Non-Syndromic Hearing Loss in both the heterozygous state and in the compound heterozygous state with other pathogenic variant (e.g. Feldmann_2004, Snoeckx_2005, Primignani_2009, Pal_2023). These data indicate that the variant is likely to be associated with disease. A different variant affecting the same codon has been classified as pathogenic by our lab (c.119C>G, p.Ala40Gly), supporting the critical relevance of codon 40 to GJB2 protein function. The following publications have been ascertained in the context of this evaluation (PMID: 15150777, 29196752, 37108562, 16380907, 19371219). ClinVar contains an entry for this variant (Variation ID: 44723). Based on the evidence outlined above, the variant was classified as pathogenic.

Natera, Inc.
Classification: Likely pathogenic for Autosomal recessive deafness type 1A. Last evaluated: 2024-12-11. Review status: criteria provided, single submitter. Criteria: Natera Variant Classification Schema (03/2026). Collection method: clinical testing. Allele origin: germline.
Comment: The c.119C>A variant in GJB2 is a missense variant predicted to cause substitution of alanine to glutamic acid at amino acid 40. This variant is rare in the general population with a frequency below the threshold expected for the associated phenotype(s). This variant has been observed in one or more individuals affected with the associated recessive disease, as either homozygous or compound heterozygous with a second variant (PMID: 19371219, 16380907). A different variant at the same position has been determined to be Pathogenic or Likely Pathogenic. Computational prediction algorithms indicate this variant is likely to affect gene or protein function. Given the available evidence, this variant is classified as Likely Pathogenic.

Labcorp Genetics (formerly Invitae), Labcorp
Classification: Pathogenic. Last evaluated: 2024-09-05. Review status: criteria provided, single submitter. Criteria: Invitae Variant Classification Sherloc (09022015). Collection method: clinical testing. Allele origin: germline.
Comment: This sequence change replaces alanine, which is neutral and non-polar, with glutamic acid, which is acidic and polar, at codon 40 of the GJB2 protein (p.Ala40Glu). This variant is present in population databases (rs111033296, gnomAD 0.002%). This missense change has been observed in individual(s) with autosomal recessive deafness (PMID: 15150777, 15967879, 16380907, 19371219; internal data). In at least one individual the data is consistent with being in trans (on the opposite chromosome) from a pathogenic variant. ClinVar contains an entry for this variant (Variation ID: 44723). Invitae Evidence Modeling of protein sequence and biophysical properties (such as structural, functional, and spatial information, amino acid conservation, physicochemical variation, residue mobility, and thermodynamic stability) indicates that this missense variant is expected to disrupt GJB2 protein function with a positive predictive value of 95%. For these reasons, this variant has been classified as Pathogenic.

GeneDx
Classification: Pathogenic. Last evaluated: 2023-12-12. Review status: criteria provided, single submitter. Criteria: GeneDx Variant Classification Process June 2021. Collection method: clinical testing. Allele origin: germline. Affected: yes.
Comment: Not observed at significant frequency in large population cohorts (gnomAD); In silico analysis supports that this missense variant has a deleterious effect on protein structure/function; This variant is associated with the following publications: (PMID: 25087612, 25388846, 15150777, 25214170, 16380907, 19371219, 37892203, 37108562)

CeGaT Center for Human Genetics Tuebingen
Classification: Likely pathogenic. Last evaluated: 2019-09-01. Review status: criteria provided, single submitter. Criteria: CeGaT Center For Human Genetics Tuebingen Variant Classification Criteria Version 2. Collection method: clinical testing. Allele origin: germline. Affected: yes. Observed: 2 variant alleles.

Laboratory for Molecular Medicine, Mass General Brigham Personalized Medicine
Classification: Likely pathogenic for Rare genetic deafness. Last evaluated: 2011-03-03. Review status: criteria provided, single submitter. Criteria: LMM Criteria. Collection method: clinical testing. Allele origin: germline. Observed: 2 variant alleles.
Comment: The Ala40Glu variant has been identified in at least 6 individuals with hearing loss (Snoeckx 2005, Primignani 2009, Feldmann 2004, ss/) and was absent from 100 normal hearing controls. For the 2 probands in whic h information was provided for the second GJB2 allele, a second pathogenic varia nt was identified. In addition, two similar missense variants that are associate d with hearing loss have been reported at this position (Ala40Gly and Ala40Val). In summary, the Ala40Glu variant is highly likely to be pathogenic.

Literature cited by the submitters: PubMed 16380907 (cited by 4 submitters); PubMed 19371219 (cited by 4 submitters); PubMed 15150777 (cited by 3 submitters); PubMed 29196752 (cited by Women's Health and Genetics/Laboratory Corporation of America, LabCorp); PubMed 37108562 (cited by Women's Health and Genetics/Laboratory Corporation of America, LabCorp); PubMed 15967879 (cited by Labcorp Genetics (formerly Invitae), Labcorp).

NM_004004.6(GJB2):c.119C>A (p.Ala40Glu)

Gene: GJB2 (gap junction protein beta 2; minus strand). Cytogenetic location: 13q12.11.
Variant type: single nucleotide variant.
Coding change: c.119C>A on transcript NM_004004.6 (MANE Select); coding-DNA position 119, C replaced by A.
Protein change: p.Ala40Glu; replaces alanine 40 with glutamic acid.
Molecular consequence: missense variant.
Genome position (GRCh38, 1-based): chr13:20,189,463, G>T on the plus strand (C>A on the coding strand, the complement: GJB2 is on the minus strand). VCF-style: chr13-20189463-G-T. GRCh37 (hg19) VCF-style: chr13-20763602-G-T.
Other names: short protein forms A40E.
Identifiers: ClinVar variation 44723 (VCV000044723.52), dbSNP rs111033296, ClinGen allele CA261635.
Genomic context (GRCh38, chr13:20,189,463, plus strand): 5'-CAGCCTGGCTGCAGGGTGTTGCAGACAAAGTCGGCCTGCTCATCTCCCCACACCTCCTTT[G>T]CAGCCACAACGAGGATCATAATGCGAAAAATGAAGAGGACGGTGAGCCAGATCTTTCCAA-3'
Protein context (NP_003995.2, residues 30-50): IFRIMILVVA[Ala40Glu]KEVWGDEQAD